The following is an entry in ClinVar:

NM_005866.4(SIGMAR1):c.*51G>T

Gene: SIGMAR1 (sigma receptor chaperone 1; minus strand). Cytogenetic location: 9p13.3.
Variant type: single nucleotide variant.
Coding change: c.*51G>T on transcript NM_005866.4 (MANE Select); 51 bases downstream of the stop codon, G replaced by T.
Molecular consequence: 3 prime UTR variant. On other transcripts: non-coding transcript variant (1).
Genome position (GRCh38, 1-based): chr9:34,635,581, C>A on the plus strand (G>T on the coding strand, the complement: SIGMAR1 is on the minus strand). VCF-style: chr9-34635581-C-A. GRCh37 (hg19) VCF-style: chr9-34635578-C-A.
Other names: c.*37G>T (NM_001282205.2); c.*51G>T (NM_001282206.2, NM_001282207.2, NM_147157.3); c.*266G>T (NM_001282208.2); c.*250G>T (NM_001282209.2).
Identifiers: ClinVar variation 643550 (VCV000643550.9), dbSNP rs768783740, ClinGen allele CA5035798.

ClinVar aggregate classification (germline): Uncertain significance (1 of 4 stars; one submission).

Conditions:
Autosomal recessive distal spinal muscular atrophy 2. Also called: NEURONOPATHY, DISTAL HEREDITARY MOTOR, JERASH TYPE; NEUROPATHY, DISTAL HEREDITARY MOTOR, JERASH TYPE; SPINAL MUSCULAR ATROPHY, JERASH TYPE; NEUROPATHY, DISTAL HEREDITARY MOTOR, AUTOSOMAL RECESSIVE 2; Hereditary motor neuropathy, Jerash type; Motor neuropathy, distal, Jerash type. Identifiers: Orphanet 139552, MedGen C1854023, MONDO:0011585, OMIM 605726.
Amyotrophic lateral sclerosis type 16. Also called: AMYOTROPHIC LATERAL SCLEROSIS 16, JUVENILE. Identifiers: Orphanet 300605, MedGen C3280587, MONDO:0013715, OMIM 614373.

Allele frequency attached by ClinVar (database versions not stated): TOPMed 0.00001; ExAC 0.00001; gnomAD 0.00001.
gnomAD v4.1: 23 of 1,610,196 alleles (0.0014%); highest among the groups gnomAD compares: South Asian, 0.0022%; no homozygotes.

Submission:

Labcorp Genetics (formerly Invitae), Labcorp
Classification: Uncertain significance for Autosomal recessive distal spinal muscular atrophy 2; Amyotrophic lateral sclerosis type 16. Last evaluated: 2020-11-11. Review status: criteria provided, single submitter. Criteria: Invitae Variant Classification Sherloc (09022015). Collection method: clinical testing. Allele origin: germline.
Comment: This sequence change falls in the 3'-untranslated region (UTR) of the SIGMAR1 gene. It does not directly change the encoded amino acid sequence of the SIGMAR1 protein. This variant is present in population databases (rs768783740, ExAC 0.002%). This variant has been observed to segregate with frontotemporal lobar degeneration and motor neuron disease (FTLD-MND) in a family (PMID: 21031579). This variant is also known as c.672*51G>T. ClinVar contains an entry for this variant (Variation ID: 643550). Experimental studies have shown that this sequence change increases expression of the SIGMAR1 gene (PMID: 21031579). In summary, the available evidence is currently insufficient to determine the role of this variant in disease. Therefore, it has been classified as a Variant of Uncertain Significance.

Literature cited by the submitters: PubMed 21031579.